The following is an entry in ClinVar:

ClinVar aggregate classification (germline): Likely benign (0 of 4 stars; one submission).

Conditions:
GAPVD1-related disorder. Also called: GAPVD1-related condition.

Allele frequency attached by ClinVar (database versions not stated): gnomAD 0.00001; TOPMed 0.00001; ExAC 0.00003.
gnomAD v4.1: 21 of 1,613,706 alleles (0.0013%); highest among the groups gnomAD compares: East Asian, 0.0067%; no homozygotes.

Submission:

PreventionGenetics, part of Exact Sciences
Classification: Likely benign for GAPVD1-related condition. Last evaluated: 2021-04-26. Review status: no assertion criteria provided. Collection method: clinical testing. Allele origin: germline.
Comment: This variant is classified as likely benign based on ACMG/AMP sequence variant interpretation guidelines (Richards et al. 2015 PMID: 25741868, with internal and published modifications).

NM_001282680.3(GAPVD1):c.4128G>A (p.Val1376=)

Gene: GAPVD1 (GTPase activating protein and VPS9 domains 1; plus strand). Cytogenetic location: 9q33.3.
Variant type: single nucleotide variant.
Coding change: c.4128G>A on transcript NM_001282680.3 (MANE Select); coding-DNA position 4128, G replaced by A.
Protein change: p.Val1376=; no amino-acid change (valine 1376 retained).
Molecular consequence: synonymous variant. On other transcripts: non-coding transcript variant (2).
Genome position (GRCh38, 1-based): chr9:125,360,611, G>A. VCF-style: chr9-125360611-G-A. GRCh37 (hg19) VCF-style: chr9-128122890-G-A.
Other names: c.4182G>A, p.Val1394= (NM_001282679.2); c.4065G>A, p.Val1355= (NM_001282681.3, NM_001354297.2, NM_001354300.2); c.3984G>A, p.Val1328= (NM_001330777.3); c.4047G>A, p.Val1349= (NM_001330778.3); c.4128G>A, p.Val1376= (NM_001354294.2, NM_001354295.2, NM_001354296.2 and 3 more transcripts); c.4209G>A, p.Val1403= (NM_015635.4).
Identifiers: ClinVar variation 3054761 (VCV003054761.2), dbSNP rs754680831, ClinGen allele CA5240906.
Genomic context (GRCh38, chr9:125,360,611, plus strand): 5'-GCCATCTGCACAATCAGAAATCAGGACAATAAGTGCTTATAAAACCCCCCGGGACAAAGT[G>A]CAGTGCATCCTGAGAATGTGCTCTACGATTATGAACCTCCTGAGCCTGGCCAATGAGGAC-3'
Protein context (NP_001269609.1, residues 1366-1386): ISAYKTPRDK[Val1376=]QCILRMCSTI